The following is an entry in ClinVar:

ClinVar aggregate classification (germline): Uncertain significance (1 of 4 stars; one submission).

Submission:

GeneDx
Classification: Uncertain significance. Last evaluated: 2018-11-16. Review status: criteria provided, single submitter. Criteria: GeneDx Variant Classification Process June 2021. Collection method: clinical testing. Allele origin: germline. Affected: yes.
Comment: Has not been previously published as pathogenic or benign to our knowledge; In silico analysis, which includes protein predictors and evolutionary conservation, supports a deleterious effect; Not observed in large population cohorts (Lek et al., 2016)

NM_000458.4(HNF1B):c.875C>T (p.Thr292Ile)

Gene: HNF1B (HNF1 homeobox B; minus strand). Cytogenetic location: 17q12.
Variant type: single nucleotide variant.
Coding change: c.875C>T on transcript NM_000458.4 (MANE Select); coding-DNA position 875, C replaced by T.
Protein change: p.Thr292Ile; replaces threonine 292 with isoleucine.
Molecular consequence: missense variant.
Genome position (GRCh38, 1-based): chr17:37,731,765, G>A on the plus strand (C>T on the coding strand, the complement: HNF1B is on the minus strand). VCF-style: chr17-37731765-G-A. GRCh37 (hg19) VCF-style: chr17-36091756-G-A.
Other names: c.797C>T, p.Thr266Ile (NM_001165923.4, NM_001304286.2); short protein forms T266I, T292I.
Identifiers: ClinVar variation 1318795 (VCV001318795.2), dbSNP rs2147545537, ClinGen allele CA398746879.